The following is an entry in ClinVar:

ClinVar aggregate classification (germline): Uncertain significance (1 of 4 stars; one submission).

Conditions:
Exudative vitreoretinopathy 1 (EVR1). Also called: FEVR, AUTOSOMAL DOMINANT; Familial exudative vitreoretinopathy, autosomal dominant; CRISWICK-SCHEPENS SYNDROME. Identifiers: Orphanet 891, Orphanet 90050, MedGen C1851402, MONDO:0007589, OMIM 133780.
Autosomal dominant osteopetrosis 1 (OPTA1). Also called: OSTEOPETROSIS, AUTOSOMAL DOMINANT, TYPE I. Identifiers: Orphanet 2783, MedGen C1843330, MONDO:0011877, OMIM 607634.
LRP5-related primary osteoporosis. Identifiers: Orphanet 498481, MedGen C5567241, MONDO:0044675.
Van Buchem disease type 2. Also called: Osteosclerosis of the skull and enlarged mandible. Identifiers: Orphanet 3416, MedGen C1843323, MeSH C536527.
Osteoporosis with pseudoglioma (OPPG). Also called: osteoporosis-pseudoglioma syndrome. Identifiers: Orphanet 2788, MedGen C0432252, MONDO:0009820, OMIM 259770.
Exudative vitreoretinopathy 4 (EVR4). Identifiers: Orphanet 891, MedGen C1866176, MONDO:0011151, OMIM 601813.

Submission:

Blueprint Genetics
Classification: Uncertain significance. Last evaluated: 2019-07-15. Review status: criteria provided, single submitter. Criteria: ACMG Guidelines, 2015. Collection method: clinical testing. Allele origin: germline.

NM_002335.4(LRP5):c.4349-8C>A

Gene: LRP5 (LDL receptor related protein 5; plus strand). Cytogenetic location: 11q13.2.
Variant type: single nucleotide variant.
Coding change: c.4349-8C>A on transcript NM_002335.4 (MANE Select); 8 bases into the intron before coding-DNA position 4349, C replaced by A.
Molecular consequence: intron variant.
Genome position (GRCh38, 1-based): chr11:68,439,769, C>A. VCF-style: chr11-68439769-C-A. GRCh37 (hg19) VCF-style: chr11-68207237-C-A.
Other names: c.2606-8C>A (NM_001291902.2).
Identifiers: ClinVar variation 1339809 (VCV001339809.4), dbSNP rs2153181939, ClinGen allele CA2573053557.